The following is an entry in ClinVar:

NM_002293.4(LAMC1):c.4248G>C (p.Ala1416=)

Gene: LAMC1 (laminin subunit gamma 1; plus strand). Cytogenetic location: 1q25.3.
Variant type: single nucleotide variant.
Coding change: c.4248G>C on transcript NM_002293.4 (MANE Select); coding-DNA position 4248, G replaced by C.
Protein change: p.Ala1416=; no amino-acid change (alanine 1416 retained).
Molecular consequence: synonymous variant.
Genome position (GRCh38, 1-based): chr1:183,136,519, G>C. VCF-style: chr1-183136519-G-C. GRCh37 (hg19) VCF-style: chr1-183105654-G-C.
Identifiers: ClinVar variation 3038493 (VCV003038493.2), dbSNP rs367935944, ClinGen allele CA1281972.

ClinVar aggregate classification (germline): Likely benign (0 of 4 stars; one submission).

Conditions:
LAMC1-related disorder. Also called: LAMC1-related condition.

Allele frequency attached by ClinVar (database versions not stated): ESP Exome Variant Server 0.00008.
gnomAD v4.1: 10 of 1,613,928 alleles (0.00062%); highest among the groups gnomAD compares: African/African-American, 0.0013%; no homozygotes.

Submission:

PreventionGenetics, part of Exact Sciences
Classification: Likely benign for LAMC1-related condition. Last evaluated: 2019-05-23. Review status: no assertion criteria provided. Collection method: clinical testing. Allele origin: germline.
Comment: This variant is classified as likely benign based on ACMG/AMP sequence variant interpretation guidelines (Richards et al. 2015 PMID: 25741868, with internal and published modifications).